The following is an entry in ClinVar:

NM_182961.4(SYNE1):c.19093G>T (p.Val6365Phe)

Gene: SYNE1 (spectrin repeat containing nuclear envelope protein 1; minus strand). Cytogenetic location: 6q25.2.
Variant type: single nucleotide variant.
Coding change: c.19093G>T on transcript NM_182961.4 (MANE Select); coding-DNA position 19093, G replaced by T.
Protein change: p.Val6365Phe; replaces valine 6365 with phenylalanine.
Molecular consequence: missense variant.
Genome position (GRCh38, 1-based): chr6:152,256,645, C>A on the plus strand (G>T on the coding strand, the complement: SYNE1 is on the minus strand). VCF-style: chr6-152256645-C-A. GRCh37 (hg19) VCF-style: chr6-152577780-C-A.
Other names: c.18880G>T, p.Val6294Phe (NM_033071.5); short protein forms V6294F, V6365F.
Identifiers: ClinVar variation 1394378 (VCV001394378.3), dbSNP rs2153628762, ClinGen allele CA366138503.

ClinVar aggregate classification (germline): Uncertain significance (1 of 4 stars; one submission).

Conditions:
Emery-Dreifuss muscular dystrophy 4, autosomal dominant (EDMD4). Also called: EMERY-DREIFUSS MUSCULAR DYSTROPHY 4 WITH VARIABLE FEATURES. Identifiers: Orphanet 261, MedGen C2751807, MONDO:0013071, OMIM 612998.
Autosomal recessive ataxia, Beauce type. Also called: SYNE1-Related Autosomal Recessive Cerebellar Ataxia; Spinocerebellar ataxia, autosomal recessive 8; ATAXIA, RECESSIVE, OF BEAUCE; SYNE1 Deficiency. Identifiers: Orphanet 88644, MedGen C1853116, MONDO:0012549, OMIM 610743.

Submission:

Labcorp Genetics (formerly Invitae), Labcorp
Classification: Uncertain significance for Emery-Dreifuss muscular dystrophy 4, autosomal dominant; Autosomal recessive ataxia, Beauce type. Last evaluated: 2022-08-10. Review status: criteria provided, single submitter. Criteria: Invitae Variant Classification Sherloc (09022015). Collection method: clinical testing. Allele origin: germline.
Comment: This sequence change replaces valine, which is neutral and non-polar, with phenylalanine, which is neutral and non-polar, at codon 6294 of the SYNE1 protein (p.Val6294Phe). This variant is not present in population databases (gnomAD no frequency). This variant has not been reported in the literature in individuals affected with SYNE1-related conditions. ClinVar contains an entry for this variant (Variation ID: 1394378). Algorithms developed to predict the effect of missense changes on protein structure and function are either unavailable or do not agree on the potential impact of this missense change (SIFT: "Deleterious"; PolyPhen-2: "Possibly Damaging"; Align-GVGD: "Class C0"). In summary, the available evidence is currently insufficient to determine the role of this variant in disease. Therefore, it has been classified as a Variant of Uncertain Significance.